The following is an entry in ClinVar:

NM_001042492.3(NF1):c.4471G>A (p.Ala1491Thr)

Gene: NF1 (neurofibromin 1; plus strand). Cytogenetic location: 17q11.2.
Variant type: single nucleotide variant.
Coding change: c.4471G>A on transcript NM_001042492.3 (MANE Select); coding-DNA position 4471, G replaced by A.
Protein change: p.Ala1491Thr; replaces alanine 1491 with threonine.
Molecular consequence: missense variant.
Genome position (GRCh38, 1-based): chr17:31,260,409, G>A. VCF-style: chr17-31260409-G-A. GRCh37 (hg19) VCF-style: chr17-29587427-G-A.
Other names: c.4408G>A, p.Ala1470Thr (NM_000267.4); short protein forms A1470T, A1491T.
Identifiers: ClinVar variation 1002863 (VCV001002863.7), dbSNP rs2067663552, ClinGen allele CA398999338.
Genomic context (GRCh38, chr17:31,260,409, plus strand): 5'-ATGACTTTGCATTTTTGAAGGTTTTTCCTTGATATAGCATCTGATTGTCCTACAAGTGAT[G>A]CAGTAAATCATAGTCTTTCCTTCATAAGTGACGGCAATGTGCTTGCTTTACATCGTCTAC-3'
Protein context (NP_001035957.1, residues 1481-1501): DIASDCPTSD[Ala1491Thr]VNHSLSFISD

ClinVar aggregate classification (germline): Uncertain significance. Review status: criteria provided, single submitter (1 of 4 stars). 2 submissions from 2 submitters: Uncertain significance (1). 1 of the submissions does not count toward it. Last evaluated 2024-02-02.

Conditions:
NF1-related disorder. Also called: NF1-related condition. Identifiers: MedGen CN379171.
Neurofibromatosis, type 1 (NF1). Also called: NEUROFIBROMATOSIS, TYPE I, SOMATIC; Peripheral type neurofibromatosis; VON RECKLINGHAUSEN DISEASE; Neurofibromatosis, type I. Identifiers: Orphanet 636, MedGen C0027831, MONDO:0018975, OMIM 162200. Disease mechanism: loss of function.

Submissions (2):

Labcorp Genetics (formerly Invitae), Labcorp
Classification: Uncertain significance for Neurofibromatosis, type 1. Last evaluated: 2024-02-02. Review status: criteria provided, single submitter. Criteria: Invitae Variant Classification Sherloc (09022015). Collection method: clinical testing. Allele origin: germline.
Comment: This sequence change replaces alanine, which is neutral and non-polar, with threonine, which is neutral and polar, at codon 1470 of the NF1 protein (p.Ala1470Thr). This variant is not present in population databases (gnomAD no frequency). This variant has not been reported in the literature in individuals affected with NF1-related conditions. ClinVar contains an entry for this variant (Variation ID: 1002863). Advanced modeling of protein sequence and biophysical properties (such as structural, functional, and spatial information, amino acid conservation, physicochemical variation, residue mobility, and thermodynamic stability) performed at Invitae indicates that this missense variant is not expected to disrupt NF1 protein function with a negative predictive value of 95%. In summary, the available evidence is currently insufficient to determine the role of this variant in disease. Therefore, it has been classified as a Variant of Uncertain Significance.

PreventionGenetics, part of Exact Sciences
Classification: Uncertain significance for NF1-related condition. Last evaluated: 2023-11-30. Review status: no assertion criteria provided. Collection method: clinical testing. Allele origin: germline. Not counted in ClinVar's aggregate classification.
Comment: The NF1 c.4471G>A variant is predicted to result in the amino acid substitution p.Ala1491Thr. To our knowledge, this variant has not been reported in the literature or in a large population database, indicating this variant is rare. It is interpreted as uncertain significance in ClinVar. At this time, the clinical significance of this variant is uncertain due to the absence of conclusive functional and genetic evidence.